The following is an entry in ClinVar:

ClinVar aggregate classification (germline): Uncertain significance (1 of 4 stars; one submission).

Allele frequency attached by ClinVar (database versions not stated): gnomAD exomes below 0.00001.
gnomAD v4.1: 2 of 1,603,534 alleles (0.00012%); highest among the groups gnomAD compares: East Asian, 0.0022%; no homozygotes.

Submission:

Labcorp Genetics (formerly Invitae), Labcorp
Classification: Uncertain significance. Last evaluated: 2022-10-04. Review status: criteria provided, single submitter. Criteria: Invitae Variant Classification Sherloc (09022015). Collection method: clinical testing. Allele origin: germline.
Comment: In summary, the available evidence is currently insufficient to determine the role of this variant in disease. Therefore, it has been classified as a Variant of Uncertain Significance. Algorithms developed to predict the effect of sequence changes on RNA splicing suggest that this variant may create or strengthen a splice site. This variant has not been reported in the literature in individuals affected with PROM1-related conditions. This variant is present in population databases (no rsID available, gnomAD 0.006%). This sequence change falls in intron 18 of the PROM1 gene. It does not directly change the encoded amino acid sequence of the PROM1 protein.

NM_006017.3(PROM1):c.2077-15T>C

Gene: PROM1 (prominin 1; minus strand). Cytogenetic location: 4p15.32.
Variant type: single nucleotide variant.
Coding change: c.2077-15T>C on transcript NM_006017.3 (MANE Select); 15 bases into the intron before coding-DNA position 2077, T replaced by C.
Molecular consequence: intron variant.
Genome position (GRCh38, 1-based): chr4:15,987,731, A>G on the plus strand (T>C on the coding strand, the complement: PROM1 is on the minus strand). VCF-style: chr4-15987731-A-G. GRCh37 (hg19) VCF-style: chr4-15989354-A-G.
Other names: c.2050-15T>C (NM_001145848.2, NM_001145852.2, NM_001145847.2 and 4 more transcripts); c.2077-15T>C (NM_001145850.2, NM_001145849.2).
Identifiers: ClinVar variation 2033964 (VCV002033964.4), dbSNP rs1187252771, ClinGen allele CA549880958.